The following is an entry in ClinVar:

NM_000020.3(ACVRL1):c.674G>T (p.Ser225Ile)

Gene: ACVRL1 (activin A receptor like type 1; plus strand). Cytogenetic location: 12q13.13.
Variant type: single nucleotide variant.
Coding change: c.674G>T on transcript NM_000020.3 (MANE Select); coding-DNA position 674, G replaced by T.
Protein change: p.Ser225Ile; replaces serine 225 with isoleucine.
Molecular consequence: missense variant.
Genome position (GRCh38, 1-based): chr12:51,914,487, G>T. VCF-style: chr12-51914487-G-T. GRCh37 (hg19) VCF-style: chr12-52308271-G-T.
Other names: c.674G>T, p.Ser225Ile (NM_001077401.2, NM_001406487.1, NM_001406488.1 and 1 more transcripts); c.362G>T, p.Ser121Ile (NM_001406490.1, NM_001406491.1, NM_001406492.1 and 2 more transcripts); c.110G>T, p.Ser37Ile (NM_001406495.1); short protein forms S37I, S121I, S225I.
Identifiers: ClinVar variation 4825108 (VCV004825108.1).

ClinVar aggregate classification (germline): Uncertain significance (1 of 4 stars; one submission).

Conditions:
Cardiovascular phenotype. Identifiers: MedGen CN230736.

Submission:

Ambry Genetics
Classification: Uncertain significance for Cardiovascular phenotype. Last evaluated: 2026-02-14. Review status: criteria provided, single submitter. Criteria: Ambry Variant Classification Scheme 2023. Collection method: clinical testing. Allele origin: germline.
Comment: The p.S225I variant (also known as c.674G>T), located in coding exon 5 of the ACVRL1 gene, results from a G to T substitution at nucleotide position 674. The serine at codon 225 is replaced by isoleucine, an amino acid with dissimilar properties. This amino acid position is conserved. In addition, this alteration is predicted to be tolerated by in silico analysis. Based on the available evidence, the clinical significance of this variant remains unclear.